The following is an entry in ClinVar:

ClinVar aggregate classification (germline): Uncertain significance (1 of 4 stars; one submission).

Submission:

GeneDx
Classification: Uncertain significance. Last evaluated: 2023-03-04. Review status: criteria provided, single submitter. Criteria: GeneDx Variant Classification Process June 2021. Collection method: clinical testing. Allele origin: germline. Affected: yes.
Comment: Not observed at significant frequency in large population cohorts (gnomAD); In silico analysis supports a deleterious effect on splicing; Has not been previously published as pathogenic or benign to our knowledge

NM_001220.5(CAMK2B):c.1131+3A>G

Gene: CAMK2B (calcium/calmodulin dependent protein kinase II beta; minus strand). Cytogenetic location: 7p13.
Variant type: single nucleotide variant.
Coding change: c.1131+3A>G on transcript NM_001220.5 (MANE Select); 3 bases into the intron after coding-DNA position 1131, A replaced by G.
Molecular consequence: intron variant.
Genome position (GRCh38, 1-based): chr7:44,234,387, T>C on the plus strand (A>G on the coding strand, the complement: CAMK2B is on the minus strand). VCF-style: chr7-44234387-T-C. GRCh37 (hg19) VCF-style: chr7-44273986-T-C.
Other names: c.946+6320A>G (NM_172084.3); c.1056+3A>G (NM_172080.3); c.987+252A>G (NM_172083.3); c.1059+3A>G (NM_172081.3, NM_172079.3); c.1059+252A>G (NM_172082.3); c.1131+3A>G (NM_001293170.2, NM_172078.3).
Identifiers: ClinVar variation 2578166 (VCV002578166.1), dbSNP rs2485672029, ClinGen allele CA2580617624.
Genomic context (GRCh38, chr7:44,234,387, plus strand): 5'-GCGGCAATCACACAGCCAGGGGCGTAGGAGGGGCTGAGAGGCAGAATTTGAGGAGCTCAG[T>C]ACCAGGGCGGCAGGAGGAAGCGTCCCTTTGGGGCTGGTGGCGGCTGCACTGTTTTTGGTG-3'